The following is an entry in ClinVar:

ClinVar aggregate classification (germline): Pathogenic. Review status: criteria provided, multiple submitters, no conflicts (2 of 4 stars). 4 submissions from 4 submitters: Pathogenic (2). 2 of the submissions do not count toward it. Last evaluated 2024-12-20.

Conditions:
Camptomelic dysplasia (CMPD). Also called: Campomelic Dysplasia; CMPD1/SRA1. Identifiers: Orphanet 140, MedGen C1861922, MONDO:0007251, OMIM 114290.

Allele frequency attached by ClinVar (database versions not stated): gnomAD exomes below 0.00001.
gnomAD v4.1: 1 of 1,610,394 alleles (0.000062%); highest among the groups gnomAD compares: East Asian, 0.0022%; no homozygotes.

Submissions (4):

GeneDx
Classification: Pathogenic. Last evaluated: 2024-12-20. Review status: criteria provided, single submitter. Criteria: GeneDx Variant Classification Process June 2021. Collection method: clinical testing. Allele origin: germline. Affected: yes.
Comment: Nonsense variant predicted to result in protein truncation, as the last 116 amino acid(s) are lost, and other loss-of-function variants have been reported downstream in HGMD; Not observed at significant frequency in large population cohorts (gnomAD); This variant is associated with the following publications: (PMID: 31389106, 36467484, 27248473)

Labcorp Genetics (formerly Invitae), Labcorp
Classification: Pathogenic for Camptomelic dysplasia. Last evaluated: 2017-06-20. Review status: criteria provided, single submitter. Criteria: Invitae Variant Classification Sherloc (09022015). Collection method: clinical testing. Allele origin: germline.
Comment: For these reasons, this variant has been classified as Pathogenic. Several different truncations downstream of this variant (p.Glu400*, p.Gln401*, p.Tyr432*, etc) have been reported in individuals affected with campomelic dysplasia (PMID: 9002675, 21614988, 27899157). This suggests that deletion of this region of the SOX9 protein is causative of disease. ClinVar contains an entry for this variant (Variation ID: 373101). This sequence change results in a premature translational stop signal in the SOX9 gene (p.Arg394*). While this is not anticipated to result in nonsense mediated decay, it is expected to delete the last 116 amino acids of the SOX9 protein. This variant is not present in population databases (ExAC no frequency).

Krakow/Cohn Lab, University of California, Los Angeles
Classification: Pathogenic for Camptomelic dysplasia. Last evaluated: 2019-07-01. Review status: no assertion criteria provided. Collection method: clinical testing. Allele origin: germline. Affected: yes. Not counted in ClinVar's aggregate classification.

University of Washington Center for Mendelian Genomics, University of Washington
Classification: Likely pathogenic for Campomelic dysplasia. Review status: no assertion criteria provided. Collection method: research. Allele origin: germline. Affected: yes. Not counted in ClinVar's aggregate classification.

Literature cited by the submitters: PubMed 9002675 (cited by Labcorp Genetics (formerly Invitae), Labcorp); PubMed 21614988 (cited by Labcorp Genetics (formerly Invitae), Labcorp); PubMed 27899157 (cited by Labcorp Genetics (formerly Invitae), Labcorp); PubMed 31389106 (cited by University of Washington Center for Mendelian Genomics, University of Washington).

NM_000346.4(SOX9):c.1180C>T (p.Arg394Ter)

Gene: SOX9 (SRY-box transcription factor 9; plus strand). Cytogenetic location: 17q24.3.
Variant type: single nucleotide variant.
Coding change: c.1180C>T on transcript NM_000346.4 (MANE Select); coding-DNA position 1180, C replaced by T.
Protein change: p.Arg394Ter; replaces arginine 394 with a stop codon.
Molecular consequence: nonsense.
Genome position (GRCh38, 1-based): chr17:72,124,037, C>T. VCF-style: chr17-72124037-C-T. GRCh37 (hg19) VCF-style: chr17-70120178-C-T.
Other names: short protein forms R394*.
Identifiers: ClinVar variation 373101 (VCV000373101.13), dbSNP rs1057518216, ClinGen allele CA16043058.